The following is an entry in ClinVar:

ClinVar aggregate classification (germline): Uncertain significance (0 of 4 stars; one submission).

Conditions:
MED12L-related disorder. Also called: MED12L-related condition.

Submission:

PreventionGenetics, part of Exact Sciences
Classification: Uncertain significance for MED12L-related condition. Last evaluated: 2024-04-29. Review status: no assertion criteria provided. Collection method: clinical testing. Allele origin: germline.
Comment: The MED12L c.1664C>T variant is predicted to result in the amino acid substitution p.Ser555Phe. To our knowledge, this variant has not been reported in the literature or in gnomAD, indicating this variant is rare. At this time, the clinical significance of this variant is uncertain due to the absence of conclusive functional and genetic evidence.

NM_001393769.1(MED12L):c.1664C>T (p.Ser555Phe)

Gene: MED12L (mediator complex subunit 12L; plus strand). Cytogenetic location: 3q25.1.
Variant type: single nucleotide variant.
Coding change: c.1664C>T on transcript NM_001393769.1 (MANE Select); coding-DNA position 1664, C replaced by T.
Protein change: p.Ser555Phe; replaces serine 555 with phenylalanine.
Molecular consequence: missense variant.
Genome position (GRCh38, 1-based): chr3:151,188,391, C>T. VCF-style: chr3-151188391-C-T. GRCh37 (hg19) VCF-style: chr3-150906178-C-T.
Other names: c.1664C>T, p.Ser555Phe (NM_053002.6); short protein forms S555F.
Identifiers: ClinVar variation 3345202 (VCV003345202.1).